The following is an entry in ClinVar:

NM_000350.3(ABCA4):c.6299G>A (p.Gly2100Glu)

Gene: ABCA4 (ATP binding cassette subfamily A member 4; minus strand). Cytogenetic location: 1p22.1.
Variant type: single nucleotide variant.
Coding change: c.6299G>A on transcript NM_000350.3 (MANE Select); coding-DNA position 6299, G replaced by A.
Protein change: p.Gly2100Glu; replaces glycine 2100 with glutamic acid.
Molecular consequence: missense variant.
Genome position (GRCh38, 1-based): chr1:94,001,089, C>T on the plus strand (G>A on the coding strand, the complement: ABCA4 is on the minus strand). VCF-style: chr1-94001089-C-T. GRCh37 (hg19) VCF-style: chr1-94466645-C-T.
Other names: c.6077G>A, p.Gly2026Glu (NM_001425324.1); short protein forms G2100E, G2026E.
Identifiers: ClinVar variation 1298331 (VCV001298331.9), dbSNP rs2100994077, ClinGen allele CA341277604.

ClinVar aggregate classification (germline): Conflicting classifications of pathogenicity. Review status: criteria provided, conflicting classifications (1 of 4 stars). 4 submissions from 4 submitters: Likely pathogenic (2); Uncertain significance (1). 1 of the submissions does not count toward it. Last evaluated 2025-03-14.

Conditions:
ABCA4-related disorder. Also called: ABCA4-related condition; ABCA4-related disorders. Identifiers: MedGen CN239167.
Severe early-childhood-onset retinal dystrophy (STGD1). Also called: Stargardt macular dystrophy; Juvenile onset macular degeneration; Stargardt disease 1; MACULAR DYSTROPHY WITH FLECKS, TYPE 1; STGD. Identifiers: Orphanet 364055, Orphanet 827, MedGen C1855465, MeSH D000080362, MONDO:0009549, OMIM 248200.

Submissions (4):

3billion
Classification: Likely pathogenic for ABCA4-related disorder. Last evaluated: 2025-03-14. Review status: criteria provided, single submitter. Criteria: ACMG Guidelines, 2015. Collection method: clinical testing. Allele origin: germline. Affected: yes.

Labcorp Genetics (formerly Invitae), Labcorp
Classification: Uncertain significance. Last evaluated: 2022-09-05. Review status: criteria provided, single submitter. Criteria: Invitae Variant Classification Sherloc (09022015). Collection method: clinical testing. Allele origin: germline.
Comment: This sequence change replaces glycine, which is neutral and non-polar, with glutamic acid, which is acidic and polar, at codon 2100 of the ABCA4 protein (p.Gly2100Glu). This variant is not present in population databases (gnomAD no frequency). This variant has not been reported in the literature in individuals affected with ABCA4-related conditions. ClinVar contains an entry for this variant (Variation ID: 1298331). Advanced modeling of protein sequence and biophysical properties (such as structural, functional, and spatial information, amino acid conservation, physicochemical variation, residue mobility, and thermodynamic stability) performed at Invitae indicates that this missense variant is expected to disrupt ABCA4 protein function. In summary, the available evidence is currently insufficient to determine the role of this variant in disease. Therefore, it has been classified as a Variant of Uncertain Significance.

DBGen Ocular Genomics
Classification: Likely pathogenic for Severe early-childhood-onset retinal dystrophy. Last evaluated: 2021-10-01. Review status: criteria provided, single submitter. Criteria: ACMG Guidelines, 2015. Collection method: clinical testing. Allele origin: germline. Affected: yes. Observed: 1 variant allele.

Ophthalmo-Genetics Lab, Instituto de Oftalmologia Conde de Valenciana
Classification: Likely pathogenic for Severe early-childhood-onset retinal dystrophy. Review status: no assertion criteria provided. Collection method: research. Allele origin: germline. Inheritance: Autosomal recessive inheritance. Affected: yes. Not counted in ClinVar's aggregate classification.

Literature cited by the submitters: PubMed 248200 (cited by Ophthalmo-Genetics Lab, Instituto de Oftalmologia Conde de Valenciana).